The following is an entry in ClinVar:

ClinVar aggregate classification (germline): Likely benign. Review status: criteria provided, single submitter (1 of 4 stars). 2 submissions from 2 submitters: Likely benign (1). 1 of the submissions does not count toward it. Last evaluated 2025-05-26.

Conditions:
RRAS-related disorder. Also called: RRAS-related condition.

Submissions (2):

Ambry Genetics
Classification: Likely benign. Last evaluated: 2025-05-26. Review status: criteria provided, single submitter. Criteria: Ambry Variant Classification Scheme 2023. Collection method: clinical testing. Allele origin: germline.

PreventionGenetics, part of Exact Sciences
Classification: Likely benign for RRAS-related condition. Last evaluated: 2020-08-24. Review status: no assertion criteria provided. Collection method: clinical testing. Allele origin: germline. Not counted in ClinVar's aggregate classification.
Comment: This variant is classified as likely benign based on ACMG/AMP sequence variant interpretation guidelines (Richards et al. 2015 PMID: 25741868, with internal and published modifications).

NM_006270.5(RRAS):c.372G>T (p.Thr124=)

Gene: RRAS (RAS related; minus strand). Cytogenetic location: 19q13.33.
Variant type: single nucleotide variant.
Coding change: c.372G>T on transcript NM_006270.5 (MANE Select); coding-DNA position 372, G replaced by T.
Protein change: p.Thr124=; no amino-acid change (threonine 124 retained).
Molecular consequence: synonymous variant.
Genome position (GRCh38, 1-based): chr19:49,636,700, C>A on the plus strand (G>T on the coding strand, the complement: RRAS is on the minus strand). VCF-style: chr19-49636700-C-A. GRCh37 (hg19) VCF-style: chr19-50139957-C-A.
Other names: c.372G>T (NM_006270.3).
Identifiers: ClinVar variation 3350564 (VCV003350564.2).
Genomic context (GRCh38, chr19:49,636,700, plus strand): 5'-TGCCTTGTTCCCGACCAACACAACGGGGAAGTCGTCGCGGTCCTTGACCCGCAGAATCTG[C>A]GTGAAGAGCTTGCCCACCTCGTTGAAACTGCGAGTGAAGCCGGAGGCATGAGGTCCAGCC-3'
Protein context (NP_006261.1, residues 114-134): QSFNEVGKLF[Thr124=]QILRVKDRDD